The following is an entry in ClinVar:

NM_014915.3(ANKRD26):c.4111A>T (p.Arg1371Ter)

Gene: ANKRD26 (ankyrin repeat domain 26; minus strand). Cytogenetic location: 10p12.1.
Variant type: single nucleotide variant.
Coding change: c.4111A>T on transcript NM_014915.3 (MANE Select); coding-DNA position 4111, A replaced by T.
Protein change: p.Arg1371Ter; replaces arginine 1371 with a stop codon.
Molecular consequence: nonsense.
Genome position (GRCh38, 1-based): chr10:27,022,662, T>A on the plus strand (A>T on the coding strand, the complement: ANKRD26 is on the minus strand). VCF-style: chr10-27022662-T-A. GRCh37 (hg19) VCF-style: chr10-27311591-T-A.
Other names: c.4108A>T, p.Arg1370Ter (NM_001256053.2); short protein forms R1370*, R1371*.
Identifiers: ClinVar variation 3659576 (VCV003659576.2).

ClinVar aggregate classification (germline): Uncertain significance (1 of 4 stars; one submission).

Submission:

Labcorp Genetics (formerly Invitae), Labcorp
Classification: Uncertain significance. Last evaluated: 2025-02-23. Review status: criteria provided, single submitter. Criteria: Invitae Variant Classification Sherloc (09022015). Collection method: clinical testing. Allele origin: germline.
Comment: This sequence change creates a premature translational stop signal (p.Arg1371*) in the ANKRD26 gene. It is expected to result in an absent or disrupted protein product. However, the current clinical and genetic evidence is not sufficient to establish whether loss-of-function variants in ANKRD26 cause disease. This variant is not present in population databases (gnomAD no frequency). This variant has not been reported in the literature in individuals affected with ANKRD26-related conditions. Experimental studies and prediction algorithms are not available or were not evaluated, and the functional significance of this variant is currently unknown. In summary, the available evidence is currently insufficient to determine the role of this variant in disease. Therefore, it has been classified as a Variant of Uncertain Significance.